The following is an entry in ClinVar:

NM_152641.4(ARID2):c.2664C>G (p.Ala888=)

Gene: ARID2 (AT-rich interaction domain 2; plus strand). Cytogenetic location: 12q12.
Variant type: single nucleotide variant.
Coding change: c.2664C>G on transcript NM_152641.4 (MANE Select); coding-DNA position 2664, C replaced by G.
Protein change: p.Ala888=; no amino-acid change (alanine 888 retained).
Molecular consequence: synonymous variant.
Genome position (GRCh38, 1-based): chr12:45,850,787, C>G. VCF-style: chr12-45850787-C-G. GRCh37 (hg19) VCF-style: chr12-46244570-C-G.
Other names: c.2664C>G, p.Ala888= (NM_001347839.2).
Identifiers: ClinVar variation 3027166 (VCV003027166.22), dbSNP rs1943534136, ClinGen allele CA479692613.

ClinVar aggregate classification (germline): Likely benign (1 of 4 stars; one submission).

Allele frequency attached by ClinVar (database versions not stated): TOPMed below 0.00001.

Submission:

CeGaT Center for Human Genetics Tuebingen
Classification: Likely benign. Last evaluated: 2024-02-01. Review status: criteria provided, single submitter. Criteria: CeGaT Center For Human Genetics Tuebingen Variant Classification Criteria Version 2. Collection method: clinical testing. Allele origin: germline. Affected: yes. Observed: 1 variant allele.
Comment: ARID2: PM2:Supporting, BP4, BP7